The following is an entry in ClinVar:

ClinVar aggregate classification (germline): Uncertain significance. Review status: criteria provided, multiple submitters, no conflicts (2 of 4 stars). 4 submissions from 4 submitters: Uncertain significance (4). Last evaluated 2025-10-27.

Conditions:
Inborn genetic diseases. Identifiers: MedGen C0950123, MeSH D030342.

Allele frequency attached by ClinVar (database versions not stated): ExAC 0.00002; gnomAD 0.00006 and 0.00007; gnomAD exomes 0.00003 and 0.00002; 1000 Genomes Project 30x 0.00031; 1000 Genomes Project 0.00020; TOPMed 0.00023.
gnomAD v4.1: 61 of 1,613,624 alleles (0.0038%); highest among the groups gnomAD compares: Admixed American, 0.015%; no homozygotes.

Submissions (4):

Mayo Clinic Laboratories, Mayo Clinic
Classification: Uncertain significance. Last evaluated: 2025-10-27. Review status: criteria provided, single submitter. Criteria: ACMG Guidelines, 2015. Collection method: clinical testing. Allele origin: germline. Observed: 1 variant allele.
Comment: BP4, PM2_supporting

Ambry Genetics
Classification: Uncertain significance for Inborn genetic diseases. Last evaluated: 2023-11-03. Review status: criteria provided, single submitter. Criteria: Ambry Variant Classification Scheme 2023. Collection method: clinical testing. Allele origin: germline.

Blueprint Genetics
Classification: Uncertain significance. Last evaluated: 2022-11-25. Review status: criteria provided, single submitter. Criteria: ACMG Guidelines, 2015. Collection method: clinical testing. Allele origin: germline.

ARUP Laboratories, Molecular Genetics and Genomics, ARUP Laboratories
Classification: Uncertain significance. Last evaluated: 2020-01-09. Review status: criteria provided, single submitter. Criteria: ARUP Molecular Germline Variant Investigation Process. Collection method: clinical testing. Allele origin: germline.

NM_001355436.2(SPTB):c.3029G>A (p.Arg1010His)

Gene: SPTB (spectrin beta, erythrocytic; minus strand). Cytogenetic location: 14q23.3.
Variant type: single nucleotide variant.
Coding change: c.3029G>A on transcript NM_001355436.2 (MANE Select); coding-DNA position 3029, G replaced by A.
Protein change: p.Arg1010His; replaces arginine 1010 with histidine.
Molecular consequence: missense variant.
Genome position (GRCh38, 1-based): chr14:64,786,936, C>T on the plus strand (G>A on the coding strand, the complement: SPTB is on the minus strand). VCF-style: chr14-64786936-C-T. GRCh37 (hg19) VCF-style: chr14-65253654-C-T.
Other names: NM_000347.5:c.3029G>A; p.Arg1010His; c.3029G>A, p.Arg1010His (NM_001024858.4, NM_001355437.2); short protein forms R1010H.
Identifiers: ClinVar variation 995602 (VCV000995602.11), dbSNP rs556377923, ClinGen allele CA7230705.